The following is an entry in ClinVar:

ClinVar aggregate classification (germline): Uncertain significance (1 of 4 stars; one submission).

gnomAD v4.1: 25 of 1,612,654 alleles (0.0016%); highest among the groups gnomAD compares: East Asian, 0.0045%; no homozygotes.

Submission:

Labcorp Genetics (formerly Invitae), Labcorp
Classification: Uncertain significance. Last evaluated: 2025-12-24. Review status: criteria provided, single submitter. Criteria: Invitae Variant Classification Sherloc (09022015). Collection method: clinical testing. Allele origin: germline.
Comment: This sequence change replaces proline, which is neutral and non-polar, with leucine, which is neutral and non-polar, at codon 256 of the SOX10 protein (p.Pro256Leu). This variant is present in population databases (rs746972348, gnomAD 0.005%). This missense change has been observed in individual(s) with SOX10-related conditions (PMID: 34348883). Invitae Evidence Modeling of protein sequence and biophysical properties (such as structural, functional, and spatial information, amino acid conservation, physicochemical variation, residue mobility, and thermodynamic stability) indicates that this missense variant is not expected to disrupt SOX10 protein function with a negative predictive value of 95%. In summary, the available evidence is currently insufficient to determine the role of this variant in disease. Therefore, it has been classified as a Variant of Uncertain Significance.

Literature cited by the submitters: PubMed 34348883.

NM_006941.4(SOX10):c.767C>T (p.Pro256Leu)

Genes: POLR2F (RNA polymerase II, I and III subunit F; plus strand), SOX10 (SRY-box transcription factor 10; minus strand). Cytogenetic location: 22q13.1.
Variant type: single nucleotide variant.
Coding change: c.767C>T on transcript NM_006941.4 (MANE Select); coding-DNA position 767, C replaced by T.
Protein change: p.Pro256Leu; replaces proline 256 with leucine.
Molecular consequence: missense variant. On other transcripts: intron variant (3).
Genome position (GRCh38, 1-based): chr22:37,974,129, G>A on the plus strand (C>T on the coding strand, the complement: SOX10 is on the minus strand). VCF-style: chr22-37974129-G-A. GRCh37 (hg19) VCF-style: chr22-38370136-G-A.
Other names: c.*38+1819G>A (NM_001363825.1); c.293+6959G>A (NM_001301130.2, NM_001301131.2); short protein forms P256L.
Identifiers: ClinVar variation 4761689 (VCV004761689.1).